The following is an entry in ClinVar:

ClinVar aggregate classification (germline): Uncertain significance (1 of 4 stars; one submission).

Submission:

Labcorp Genetics (formerly Invitae), Labcorp
Classification: Uncertain significance. Last evaluated: 2022-09-27. Review status: criteria provided, single submitter. Criteria: Invitae Variant Classification Sherloc (09022015). Collection method: clinical testing. Allele origin: germline.
Comment: This sequence change falls in intron 47 of the USH2A gene. It does not directly change the encoded amino acid sequence of the USH2A protein. It affects a nucleotide within the consensus splice site. This variant is not present in population databases (gnomAD no frequency). This variant has not been reported in the literature in individuals affected with USH2A-related conditions. Variants that disrupt the consensus splice site are a relatively common cause of aberrant splicing (PMID: 17576681, 9536098). Algorithms developed to predict the effect of sequence changes on RNA splicing suggest that this variant is not likely to affect RNA splicing. In summary, the available evidence is currently insufficient to determine the role of this variant in disease. Therefore, it has been classified as a Variant of Uncertain Significance.

Literature cited by the submitters: PubMed 17576681; PubMed 9536098.

NM_206933.4(USH2A):c.9371+4C>T

Gene: USH2A (usherin; minus strand). Cytogenetic location: 1q41.
Variant type: single nucleotide variant.
Coding change: c.9371+4C>T on transcript NM_206933.4 (MANE Select); 4 bases into the intron after coding-DNA position 9371, C replaced by T.
Molecular consequence: intron variant.
Genome position (GRCh38, 1-based): chr1:215,837,987, G>A on the plus strand (C>T on the coding strand, the complement: USH2A is on the minus strand). VCF-style: chr1-215837987-G-A. GRCh37 (hg19) VCF-style: chr1-216011329-G-A.
Identifiers: ClinVar variation 1900300 (VCV001900300.5), dbSNP rs2464585840, ClinGen allele CA2580062057.